The following is an entry in ClinVar:

ClinVar aggregate classification (germline): Uncertain significance (1 of 4 stars; one submission).

Conditions:
Atypical glycine encephalopathy. Also called: Glycine encephalopathy with normal serum glycine. Identifiers: Orphanet 289863, MedGen C4310943, MONDO:0015010, OMIM 617301.

Allele frequency attached by ClinVar (database versions not stated): ExAC 0.00001; gnomAD exomes 0.00001.
gnomAD v4.1: 8 of 1,613,214 alleles (0.0005%); highest among the groups gnomAD compares: East Asian, 0.0045%; no homozygotes.

Submission:

Labcorp Genetics (formerly Invitae), Labcorp
Classification: Uncertain significance for Atypical glycine encephalopathy. Last evaluated: 2022-08-12. Review status: criteria provided, single submitter. Criteria: Invitae Variant Classification Sherloc (09022015). Collection method: clinical testing. Allele origin: germline.
Comment: Algorithms developed to predict the effect of missense changes on protein structure and function are either unavailable or do not agree on the potential impact of this missense change (SIFT: "Deleterious"; PolyPhen-2: "Benign"; Align-GVGD: "Class C25"). This variant has not been reported in the literature in individuals affected with SLC6A9-related conditions. This variant is present in population databases (rs745613707, gnomAD 0.01%). This sequence change replaces serine, which is neutral and polar, with alanine, which is neutral and non-polar, at codon 704 of the SLC6A9 protein (p.Ser704Ala). In summary, the available evidence is currently insufficient to determine the role of this variant in disease. Therefore, it has been classified as a Variant of Uncertain Significance.

NM_001024845.3(SLC6A9):c.1891T>G (p.Ser631Ala)

Gene: SLC6A9 (solute carrier family 6 member 9; minus strand). Cytogenetic location: 1p34.1.
Variant type: single nucleotide variant.
Coding change: c.1891T>G on transcript NM_001024845.3 (MANE Select); coding-DNA position 1891, T replaced by G.
Protein change: p.Ser631Ala; replaces serine 631 with alanine.
Molecular consequence: missense variant. On other transcripts: non-coding transcript variant (1).
Genome position (GRCh38, 1-based): chr1:43,997,556, A>C on the plus strand (T>G on the coding strand, the complement: SLC6A9 is on the minus strand). VCF-style: chr1-43997556-A-C. GRCh37 (hg19) VCF-style: chr1-44463228-A-C.
Other names: c.1903T>G, p.Ser635Ala (NM_001261380.2); c.1558T>G, p.Ser520Ala (NM_001328626.2); c.1828T>G, p.Ser610Ala (NM_001328627.1); c.1696T>G, p.Ser566Ala (NM_001328628.1); c.1891T>G, p.Ser631Ala (NM_001328629.1); c.1387T>G, p.Ser463Ala (NM_001328630.2); c.1948T>G, p.Ser650Ala (NM_006934.4); c.2110T>G, p.Ser704Ala (NM_201649.4); short protein forms S610A, S635A, S650A, S463A, S520A, S566A, S631A, S704A.
Identifiers: ClinVar variation 1987730 (VCV001987730.4), dbSNP rs745613707, ClinGen allele CA817321.